The following is an entry in ClinVar:

ClinVar aggregate classification (germline): Uncertain significance (1 of 4 stars; one submission).

Submission:

Labcorp Genetics (formerly Invitae), Labcorp
Classification: Uncertain significance. Last evaluated: 2024-08-04. Review status: criteria provided, single submitter. Criteria: Invitae Variant Classification Sherloc (09022015). Collection method: clinical testing. Allele origin: germline.
Comment: This sequence change falls in intron 55 of the FBN3 gene. It does not directly change the encoded amino acid sequence of the FBN3 protein. It affects a nucleotide within the consensus splice site. This variant is not present in population databases (gnomAD no frequency). This variant has not been reported in the literature in individuals affected with FBN3-related conditions. Variants that disrupt the consensus splice site are a relatively common cause of aberrant splicing (PMID: 17576681, 9536098). Algorithms developed to predict the effect of sequence changes on RNA splicing suggest that this variant may disrupt the consensus splice site. In summary, the available evidence is currently insufficient to determine the role of this variant in disease. Therefore, it has been classified as a Variant of Uncertain Significance.

Literature cited by the submitters: PubMed 17576681; PubMed 9536098.

NM_032447.5(FBN3):c.6880+5G>T

Gene: FBN3 (fibrillin 3; minus strand). Cytogenetic location: 19p13.2.
Variant type: single nucleotide variant.
Coding change: c.6880+5G>T on transcript NM_032447.5 (MANE Select); 5 bases into the intron after coding-DNA position 6880, G replaced by T.
Molecular consequence: intron variant.
Genome position (GRCh38, 1-based): chr19:8,086,195, C>A on the plus strand (G>T on the coding strand, the complement: FBN3 is on the minus strand). VCF-style: chr19-8086195-C-A. GRCh37 (hg19) VCF-style: chr19-8151079-C-A.
Other names: c.6880+5G>T (NM_001321431.2).
Identifiers: ClinVar variation 3690517 (VCV003690517.2).
Genomic context (GRCh38, chr19:8,086,195, plus strand): 5'-GGGACAGGCAGTGGGTGCCACATGGTAGGTGGTTGCAACCACTGTGCGTGTCCAGCCACA[C>A]TCACCGTGGCACTCGGTAAGGGTGGGGCTGGGCTGGAATCCCTCATCACAGTCGCACCGG-3'